The following is an entry in ClinVar:

ClinVar aggregate classification (germline): Uncertain significance (1 of 4 stars; one submission).

Conditions:
Emery-Dreifuss muscular dystrophy 5, autosomal dominant (EDMD5). Also called: EMERY-DREIFUSS MUSCULAR DYSTROPHY 5. Identifiers: Orphanet 261, MedGen C2751805, MONDO:0013072, OMIM 612999.

gnomAD v4.1: 1 of 1,614,124 alleles (0.000062%); highest among the groups gnomAD compares: Non-Finnish European, 0.000085%; no homozygotes.

Submission:

Labcorp Genetics (formerly Invitae), Labcorp
Classification: Uncertain significance for Emery-Dreifuss muscular dystrophy 5, autosomal dominant. Last evaluated: 2025-05-07. Review status: criteria provided, single submitter. Criteria: Invitae Variant Classification Sherloc (09022015). Collection method: clinical testing. Allele origin: germline.
Comment: This sequence change replaces phenylalanine, which is neutral and non-polar, with leucine, which is neutral and non-polar, at codon 2525 of the SYNE2 protein (p.Phe2525Leu). This variant is not present in population databases (gnomAD no frequency). This variant has not been reported in the literature in individuals affected with SYNE2-related conditions. An algorithm developed to predict the effect of missense changes on protein structure and function (PolyPhen-2) suggests that this variant is likely to be disruptive. In summary, the available evidence is currently insufficient to determine the role of this variant in disease. Therefore, it has been classified as a Variant of Uncertain Significance.

NM_182914.3(SYNE2):c.7573T>C (p.Phe2525Leu)

Gene: SYNE2 (spectrin repeat containing nuclear envelope protein 2; plus strand). Cytogenetic location: 14q23.2.
Variant type: single nucleotide variant.
Coding change: c.7573T>C on transcript NM_182914.3 (MANE Select); coding-DNA position 7573, T replaced by C.
Protein change: p.Phe2525Leu; replaces phenylalanine 2525 with leucine.
Molecular consequence: missense variant.
Genome position (GRCh38, 1-based): chr14:64,049,806, T>C. VCF-style: chr14-64049806-T-C. GRCh37 (hg19) VCF-style: chr14-64516524-T-C.
Other names: c.7573T>C, p.Phe2525Leu (NM_015180.6); short protein forms F2525L.
Identifiers: ClinVar variation 4719198 (VCV004719198.1).